The following is an entry in ClinVar:

NM_001386140.1(MTTP):c.2212del (p.Ser738fs)

Gene: MTTP (microsomal triglyceride transfer protein; plus strand). Cytogenetic location: 4q23.
Variant type: Deletion.
Coding change: c.2212del on transcript NM_001386140.1 (MANE Select); coding-DNA position 2212, one base deleted (T; older notation c.2212delT).
Protein change: p.Ser738fs; shifts the reading frame from serine 738.
Molecular consequence: frameshift variant.
Genome position (GRCh38, 1-based): chr4:99,613,135, T deleted; the last of 2 consecutive T bases (chr4:99,613,134-99,613,135); deleting either gives the same sequence. VCF-style (leftmost placement, unchanged base first): chr4-99613133-AT-A. GRCh37 (hg19) VCF-style: chr4-100534290-AT-A.
Other names: p.Ser738Leufs*10; c.2212del, p.Ser738fs (NM_000253.4); c.1963del, p.Ser655fs (NM_001300785.2); c.2212del (NM_000253.3); c.2212delT (NM_000253.3); short protein forms S738fs, S655fs.
Identifiers: ClinVar variation 495776 (VCV000495776.14), dbSNP rs755681036, ClinGen allele CA3022307.
Genomic context (GRCh38, chr4:99,613,133, plus strand): 5'-TGCTGTCAGCATCTGGCGACCCTATCAGTGTGGTGAAAGGACTTATTCTGCTAATAGATC[AT>A]TCTCAGGTAATTCATTCAGTCTGTGAGTATTTATTGAGTCCCTAAAATACGCCAGGCACG-3'

ClinVar aggregate classification (germline): Pathogenic/Likely pathogenic. Review status: criteria provided, multiple submitters, no conflicts (2 of 4 stars). 5 submissions from 5 submitters: Pathogenic (4); Likely pathogenic (1). Last evaluated 2025-01-02.

Conditions:
MTTP-related disorder. Also called: MTTP-related condition.
Abetalipoproteinaemia (ABL). Also called: Abetalipoproteinemia neuropathy; Apolipoprotein B deficiency; Congenital betalipoprotein deficiency syndrome; MTP DEFICIENCY; Abetalipoproteinemia. Identifiers: Orphanet 14, MedGen C0000744, MONDO:0008692, OMIM 200100, HP:0008181.

Submissions (5):

Natera, Inc.
Classification: Pathogenic for Abetalipoproteinemia. Last evaluated: 2025-01-02. Review status: criteria provided, single submitter. Criteria: Natera Variant Classification Schema (03/2026). Collection method: clinical testing. Allele origin: germline.
Comment: The c.2212delT variant in MTTP is a frameshift variant predicted to shift the reading frame beginning at codon 738 and leads to a stop codon 10 codons downstream. This variant is expected to result in nonsense mediated decay, truncation, or a dysfunctional protein product. This variant is rare in the general population with a frequency below the threshold expected for the associated phenotype(s). This variant has been observed in one or more individuals affected with the associated recessive disease, as either homozygous or compound heterozygous with a second variant (PMID: 8533758). Given the available evidence, this variant is classified as Pathogenic.

Labcorp Genetics (formerly Invitae), Labcorp
Classification: Pathogenic. Last evaluated: 2024-02-01. Review status: criteria provided, single submitter. Criteria: Invitae Variant Classification Sherloc (09022015). Collection method: clinical testing. Allele origin: germline.
Comment: This sequence change creates a premature translational stop signal (p.Ser738Leufs*10) in the MTTP gene. It is expected to result in an absent or disrupted protein product. Loss-of-function variants in MTTP are known to be pathogenic (PMID: 8533758, 9671739). This variant is not present in population databases (gnomAD no frequency). This premature translational stop signal has been observed in individual(s) with abetalipoproteinemia (PMID: 8533758). ClinVar contains an entry for this variant (Variation ID: 495776). For these reasons, this variant has been classified as Pathogenic.

Mayo Clinic Laboratories, Mayo Clinic
Classification: Pathogenic. Last evaluated: 2023-12-12. Review status: criteria provided, single submitter. Criteria: ACMG Guidelines, 2015. Collection method: clinical testing. Allele origin: germline. Observed: 1 variant allele.
Comment: PM2_moderate, PM3_supporting, PVS1

Women's Health and Genetics/Laboratory Corporation of America, LabCorp
Classification: Pathogenic for Abetalipoproteinaemia. Last evaluated: 2023-01-16. Review status: criteria provided, single submitter. Criteria: LabCorp Variant Classification Summary - May 2015. Collection method: clinical testing. Allele origin: germline.
Comment: Variant summary: MTTP c.2212delT (p.Ser738LeufsX10) results in a premature termination codon, predicted to cause a truncation of the encoded protein or absence of the protein due to nonsense mediated decay, which are commonly known mechanisms for disease. Truncations downstream of this position have been classified as pathogenic by our laboratory. The variant was absent in 249852 control chromosomes (gnomAD). c.2212delT has been reported in the literature in multiple individuals affected with Abetalipoproteinaemia (Bassen-Kornzweig Syndrome)(examples: Benayoun_2007 and Narcisi_1995). These data indicate that the variant is very likely to be associated with disease. One clinical diagnostic laboratory has submitted clinical-significance assessments for this variant to ClinVar after 2014 and classified the variant as pathogenic. Based on the evidence outlined above, the variant was classified as pathogenic.

Blueprint Genetics
Classification: Likely pathogenic for MTTP-related disorders. Last evaluated: 2022-02-16. Review status: criteria provided, single submitter. Criteria: ACMG Guidelines, 2015. Collection method: clinical testing. Allele origin: germline. Affected: yes. Observed: 2 variant alleles.

Literature cited by the submitters: PubMed 8533758 (cited by 4 submitters); PubMed 9671739 (cited by Labcorp Genetics (formerly Invitae), Labcorp); PubMed 33258201 (cited by Mayo Clinic Laboratories, Mayo Clinic and Women's Health and Genetics/Laboratory Corporation of America, LabCorp); PubMed 33994405 (cited by Mayo Clinic Laboratories, Mayo Clinic); PubMed 17275380 (cited by Women's Health and Genetics/Laboratory Corporation of America, LabCorp); PubMed 18611256 (cited by Women's Health and Genetics/Laboratory Corporation of America, LabCorp).